The following is an entry in ClinVar:

NM_005908.4(MANBA):c.2416-105G>A

Gene: MANBA (mannosidase beta; minus strand). Cytogenetic location: 4q24.
Variant type: single nucleotide variant.
Coding change: c.2416-105G>A on transcript NM_005908.4 (MANE Select); 105 bases into the intron before coding-DNA position 2416, G replaced by A.
Molecular consequence: intron variant.
Genome position (GRCh38, 1-based): chr4:102,632,386, C>T on the plus strand (G>A on the coding strand, the complement: MANBA is on the minus strand). VCF-style: chr4-102632386-C-T. GRCh37 (hg19) VCF-style: chr4-103553543-C-T.
Identifiers: ClinVar variation 667482 (VCV000667482.2), dbSNP rs735403, ClinGen allele CA11695941.

ClinVar aggregate classification (germline): Benign. Review status: criteria provided, multiple submitters, no conflicts (2 of 4 stars). 2 submissions from 2 submitters: Benign (2). Last evaluated 2018-06-19.

Allele frequency attached by ClinVar (database versions not stated): gnomAD 0.54944 and 0.55317; 1000 Genomes Project 0.55032; 1000 Genomes Project 30x 0.56027; TOPMed 0.56668.
gnomAD v4.1: 472,581 of 899,636 alleles (53%); highest among the groups gnomAD compares: Admixed American, 68%; 126,445 homozygotes.

Submissions (2):

GeneDx
Classification: Benign. Last evaluated: 2018-06-19. Review status: criteria provided, single submitter. Criteria: GeneDx Variant Classification (06012015). Collection method: clinical testing. Allele origin: germline. Affected: yes.
Comment: This variant is considered likely benign or benign based on one or more of the following criteria: it is a conservative change, it occurs at a poorly conserved position in the protein, it is predicted to be benign by multiple in silico algorithms, and/or has population frequency not consistent with disease.

Breakthrough Genomics
Classification: Benign. Review status: criteria provided, single submitter. Criteria: ACMG Guidelines, 2015. Collection method: not provided. Allele origin: germline. Inheritance: Autosomal recessive inheritance. Affected: yes.